The following is an entry in ClinVar:

ClinVar aggregate classification (germline): Likely benign. Review status: criteria provided, single submitter (1 of 4 stars). 2 submissions from 2 submitters: Likely benign (1). 1 of the submissions does not count toward it. Last evaluated 2020-09-14.

Conditions:
TECTA-related disorder. Also called: TECTA-related condition.

Allele frequency attached by ClinVar (database versions not stated): TOPMed below 0.00001; gnomAD 0.00001.

Submissions (2):

Blueprint Genetics
Classification: Likely benign. Last evaluated: 2020-09-14. Review status: criteria provided, single submitter. Criteria: ACMG Guidelines, 2015. Collection method: clinical testing. Allele origin: germline.

PreventionGenetics, part of Exact Sciences
Classification: Likely benign for TECTA-related condition. Last evaluated: 2021-01-13. Review status: no assertion criteria provided. Collection method: clinical testing. Allele origin: germline. Not counted in ClinVar's aggregate classification.
Comment: This variant is classified as likely benign based on ACMG/AMP sequence variant interpretation guidelines (Richards et al. 2015 PMID: 25741868, with internal and published modifications).

NM_005422.4(TECTA):c.790+7del

Genes: TBCEL-TECTA (TBCEL-TECTA readthrough; plus strand), TECTA (tectorin alpha; plus strand). Cytogenetic location: 11q23.3.
Variant type: Deletion.
Coding change: c.790+7del on transcript NM_005422.4 (MANE Select); 7 bases into the intron after coding-DNA position 790, one base deleted (C; older notation c.790+7delC).
Molecular consequence: intron variant.
Genome position (GRCh38, 1-based): chr11:121,113,725, C deleted. VCF-style (leftmost placement, unchanged base first): chr11-121113724-GC-G. GRCh37 (hg19) VCF-style: chr11-120984433-GC-G.
Other names: c.1747+7del (NM_001378761.1).
Identifiers: ClinVar variation 3030742 (VCV003030742.3), dbSNP rs1946468350, ClinGen allele CA942908222.
Genomic context (GRCh38, chr11:121,113,724, plus strand): 5'-GCATTTAAAGTTGATGGAAAGGAAATTGACCCAGCCAATGGCTGCACCTCAAGGGGTAAA[GC>G]TTTTCCTCTGTCTGTGGCAAGGCAGGGTTTGTTTAGTGTAGATTGACAGGCAAGCTTTTA-3'